The following is an entry in ClinVar:

NM_014956.5(CEP164):c.3380G>A (p.Arg1127Gln)

Gene: CEP164 (centrosomal protein 164; plus strand). Cytogenetic location: 11q23.3.
Variant type: single nucleotide variant.
Coding change: c.3380G>A on transcript NM_014956.5 (MANE Select); coding-DNA position 3380, G replaced by A.
Protein change: p.Arg1127Gln; replaces arginine 1127 with glutamine.
Molecular consequence: missense variant.
Genome position (GRCh38, 1-based): chr11:117,397,192, G>A. VCF-style: chr11-117397192-G-A. GRCh37 (hg19) VCF-style: chr11-117267908-G-A.
Other names: c.3380G>A (NM_014956.4); c.3389G>A, p.Arg1130Gln (NM_001271933.2); short protein forms R1127Q, R1130Q.
Identifiers: ClinVar variation 1018600 (VCV001018600.7), dbSNP rs753895198, ClinGen allele CA6295439.

ClinVar aggregate classification (germline): Uncertain significance. Review status: criteria provided, multiple submitters, no conflicts (2 of 4 stars). 2 submissions from 2 submitters: Uncertain significance (2). Last evaluated 2026-06-29.

Conditions:
CEP164-related disorder. Also called: CEP164-related condition.
Nephronophthisis 15 (NPHP15). Identifiers: Orphanet 3156, MedGen C3541853, MONDO:0013917, OMIM 614845.

Allele frequency attached by ClinVar (database versions not stated): gnomAD 0.00001; ExAC 0.00002; TOPMed 0.00002; gnomAD exomes 0.00004.
gnomAD v4.1: 16 of 1,614,082 alleles (0.00099%); highest among the groups gnomAD compares: Admixed American, 0.0083%; no homozygotes.

Submissions (2):

PreventionGenetics, part of Exact Sciences
Classification: Uncertain significance for CEP164-related condition. Last evaluated: 2026-06-29. Review status: criteria provided, single submitter. Criteria: ACMG Guidelines, 2015. Collection method: clinical testing. Allele origin: germline.
Comment: The CEP164 c.3380G>A variant is predicted to result in the amino acid substitution p.Arg1127Gln. To our knowledge, this variant has not been reported in the literature. This variant is reported in 0.013% of alleles in individuals of South Asian descent in gnomAD. At this time, the clinical significance of this variant is uncertain due to the absence of conclusive functional and genetic evidence.

Labcorp Genetics (formerly Invitae), Labcorp
Classification: Uncertain significance for Nephronophthisis 15. Last evaluated: 2021-08-28. Review status: criteria provided, single submitter. Criteria: Invitae Variant Classification Sherloc (09022015). Collection method: clinical testing. Allele origin: germline.
Comment: This sequence change replaces arginine with glutamine at codon 1127 of the CEP164 protein (p.Arg1127Gln). The arginine residue is highly conserved and there is a small physicochemical difference between arginine and glutamine. This variant is present in population databases (rs753895198, ExAC 0.01%). This variant has not been reported in the literature in individuals affected with CEP164-related conditions. Algorithms developed to predict the effect of missense changes on protein structure and function are either unavailable or do not agree on the potential impact of this missense change (SIFT: "Deleterious"; PolyPhen-2: "Possibly Damaging"; Align-GVGD: "Class C0"). In summary, the available evidence is currently insufficient to determine the role of this variant in disease. Therefore, it has been classified as a Variant of Uncertain Significance.